The following is an entry in ClinVar:

ClinVar aggregate classification (germline): Uncertain significance (1 of 4 stars; one submission).

Conditions:
Inborn genetic diseases. Identifiers: MedGen C0950123, MeSH D030342.

Submission:

Ambry Genetics
Classification: Uncertain significance for Inborn genetic diseases. Last evaluated: 2026-04-08. Review status: criteria provided, single submitter. Criteria: Ambry Variant Classification Scheme 2023. Collection method: clinical testing. Allele origin: germline.
Comment: The p.A1284T variant (also known as c.3850G>A), located in coding exon 26 of the ANKRD26 gene, results from a G to A substitution at nucleotide position 3850. The alanine at codon 1284 is replaced by threonine, an amino acid with similar properties. This amino acid position is conserved. In addition, this alteration is predicted to be tolerated by in silico analysis. Based on the available evidence, the clinical significance of this variant remains unclear.

NM_014915.3(ANKRD26):c.3850G>A (p.Ala1284Thr)

Gene: ANKRD26 (ankyrin repeat domain 26; minus strand). Cytogenetic location: 10p12.1.
Variant type: single nucleotide variant.
Coding change: c.3850G>A on transcript NM_014915.3 (MANE Select); coding-DNA position 3850, G replaced by A.
Protein change: p.Ala1284Thr; replaces alanine 1284 with threonine.
Molecular consequence: missense variant.
Genome position (GRCh38, 1-based): chr10:27,029,314, C>T on the plus strand (G>A on the coding strand, the complement: ANKRD26 is on the minus strand). VCF-style: chr10-27029314-C-T. GRCh37 (hg19) VCF-style: chr10-27318243-C-T.
Other names: c.3847G>A, p.Ala1283Thr (NM_001256053.2); short protein forms A1283T, A1284T.
Identifiers: ClinVar variation 4859241 (VCV004859241.1).
Genomic context (GRCh38, chr10:27,029,314, plus strand): 5'-CATGTTTTTCTGTGTGCTGCTTTAAATTTTACTTTTGCTTGTGATCTTGCATCTTCTCAG[C>T]ACATCTGACAGCTTCTGTATGTCGATCCTGTGCTTCTTGCAACTAAAACAAAGAATAAAA-3'
Protein context (NP_055730.2, residues 1274-1294): QDRHTEAVRC[Ala1284Thr]EKMQDHKQKL